The following is an entry in ClinVar:

NM_000051.4(ATM):c.1906C>T (p.His636Tyr)

Gene: ATM (ATM serine/threonine kinase; plus strand). Cytogenetic location: 11q22.3.
Variant type: single nucleotide variant.
Coding change: c.1906C>T on transcript NM_000051.4 (MANE Select); coding-DNA position 1906, C replaced by T.
Protein change: p.His636Tyr; replaces histidine 636 with tyrosine.
Molecular consequence: missense variant.
Genome position (GRCh38, 1-based): chr11:108,253,821, C>T. VCF-style: chr11-108253821-C-T. GRCh37 (hg19) VCF-style: chr11-108124548-C-T.
Other names: c.1906C>T, p.His636Tyr (NM_001351834.2); short protein forms H636Y.
Identifiers: ClinVar variation 187338 (VCV000187338.17), dbSNP rs786203654, ClinGen allele CA197388.
Genomic context (GRCh38, chr11:108,253,821, plus strand): 5'-AGGCAAAGCATTAGGTACTTGGTTTATATATTAAAGATCTTACTTTCTTGAAGTGAACAC[C>T]ACCAAAAAGATAAAGAAGAACTTTCATTCTCAGAAGTAGAAGAACTATTTCTTCAGACAA-3'
Protein context (NP_000042.3, residues 626-646): FFQSVPECEH[His636Tyr]QKDKEELSFS

ClinVar aggregate classification (germline): Conflicting classifications of pathogenicity. Review status: criteria provided, conflicting classifications (1 of 4 stars). 3 submissions from 3 submitters: Uncertain significance (2); Likely benign (1). Last evaluated 2025-04-01.

Conditions:
Hereditary cancer-predisposing syndrome. Also called: Hereditary Cancer Syndrome; Neoplastic Syndromes, Hereditary; Tumor predisposition; Hereditary neoplastic syndrome. Identifiers: Orphanet 140162, MedGen C0027672, MeSH D009386, MONDO:0015356.
Ataxia-telangiectasia syndrome (AT). Also called: Ataxia-telangiectasia, complementation group D; AT, COMPLEMENTATION GROUP C; ATAXIA-TELANGIECTASIA, COMPLEMENTATION GROUP A; ATAXIA-TELANGIECTASIA, FRESNO VARIANT; Ataxia-telangiectasia; LOUIS-BAR SYNDROME. Identifiers: Orphanet 100, MedGen C0004135, MONDO:0008840, OMIM 208900.

Submissions (3):

Ambry Genetics
Classification: Likely benign for Hereditary cancer-predisposing syndrome. Last evaluated: 2025-04-01. Review status: criteria provided, single submitter. Criteria: Ambry Variant Classification Scheme 2023. Collection method: clinical testing. Allele origin: germline.

Labcorp Genetics (formerly Invitae), Labcorp
Classification: Uncertain significance for Ataxia-telangiectasia syndrome. Last evaluated: 2024-12-21. Review status: criteria provided, single submitter. Criteria: Invitae Variant Classification Sherloc (09022015). Collection method: clinical testing. Allele origin: germline.
Comment: This sequence change replaces histidine, which is basic and polar, with tyrosine, which is neutral and polar, at codon 636 of the ATM protein (p.His636Tyr). This variant is not present in population databases (gnomAD no frequency). This variant has not been reported in the literature in individuals affected with ATM-related conditions. ClinVar contains an entry for this variant (Variation ID: 187338). Invitae Evidence Modeling of protein sequence and biophysical properties (such as structural, functional, and spatial information, amino acid conservation, physicochemical variation, residue mobility, and thermodynamic stability) indicates that this missense variant is not expected to disrupt ATM protein function with a negative predictive value of 95%. In summary, the available evidence is currently insufficient to determine the role of this variant in disease. Therefore, it has been classified as a Variant of Uncertain Significance.

Color Diagnostics, LLC DBA Color Health
Classification: Uncertain significance for Hereditary cancer-predisposing syndrome. Last evaluated: 2024-03-06. Review status: criteria provided, single submitter. Criteria: ACMG Guidelines, 2015. Collection method: clinical testing. Allele origin: germline.
Comment: This missense variant replaces histidine with tyrosine at codon 636 of the ATM protein. Computational prediction tool suggests that this variant may not impact protein structure and function (internally defined REVEL score threshold <=0.5, PMID: 27666373). Splice site prediction tools suggest that this variant may not impact RNA splicing. To our knowledge, functional studies have not been performed for this variant. This variant has not been reported in individuals affected with hereditary cancer in the literature. This variant has not been identified in the general population by the Genome Aggregation Database (gnomAD). The available evidence is insufficient to determine the role of this variant in disease conclusively. Therefore, this variant is classified as a Variant of Uncertain Significance.